The following is an entry in ClinVar:

ClinVar aggregate classification (germline): Uncertain significance. Review status: criteria provided, multiple submitters, no conflicts (2 of 4 stars). 2 submissions from 2 submitters: Uncertain significance (2). Last evaluated 2025-02-12.

Conditions:
Inborn genetic diseases. Identifiers: MedGen C0950123, MeSH D030342.

Allele frequency attached by ClinVar (database versions not stated): TOPMed 0.00002; gnomAD 0.00003; gnomAD exomes 0.00003 and 0.00004; ExAC 0.00006; ESP Exome Variant Server 0.00008.
gnomAD v4.1: 45 of 1,613,660 alleles (0.0028%); highest among the groups gnomAD compares: East Asian, 0.0089%; no homozygotes.

Submissions (2):

Ambry Genetics
Classification: Uncertain significance for Inborn genetic diseases. Last evaluated: 2025-02-12. Review status: criteria provided, single submitter. Criteria: Ambry Variant Classification Scheme 2023. Collection method: clinical testing. Allele origin: germline.

Labcorp Genetics (formerly Invitae), Labcorp
Classification: Uncertain significance. Last evaluated: 2022-02-05. Review status: criteria provided, single submitter. Criteria: Invitae Variant Classification Sherloc (09022015). Collection method: clinical testing. Allele origin: germline.
Comment: This sequence change replaces arginine, which is basic and polar, with glutamine, which is neutral and polar, at codon 1048 of the IMPG2 protein (p.Arg1048Gln). This variant is present in population databases (rs138218456, gnomAD 0.02%). This variant has not been reported in the literature in individuals affected with IMPG2-related conditions. ClinVar contains an entry for this variant (Variation ID: 849641). Algorithms developed to predict the effect of missense changes on protein structure and function are either unavailable or do not agree on the potential impact of this missense change (SIFT: "Deleterious"; PolyPhen-2: "Benign"; Align-GVGD: "Class C0"). In summary, the available evidence is currently insufficient to determine the role of this variant in disease. Therefore, it has been classified as a Variant of Uncertain Significance.

NM_016247.4(IMPG2):c.3143G>A (p.Arg1048Gln)

Gene: IMPG2 (interphotoreceptor matrix proteoglycan 2; minus strand). Cytogenetic location: 3q12.3.
Variant type: single nucleotide variant.
Coding change: c.3143G>A on transcript NM_016247.4 (MANE Select); coding-DNA position 3143, G replaced by A.
Protein change: p.Arg1048Gln; replaces arginine 1048 with glutamine.
Molecular consequence: missense variant.
Genome position (GRCh38, 1-based): chr3:101,232,871, C>T on the plus strand (G>A on the coding strand, the complement: IMPG2 is on the minus strand). VCF-style: chr3-101232871-C-T. GRCh37 (hg19) VCF-style: chr3-100951715-C-T.
Other names: short protein forms R1048Q.
Identifiers: ClinVar variation 849641 (VCV000849641.8), dbSNP rs138218456, ClinGen allele CA2518822.
Genomic context (GRCh38, chr3:101,232,871, plus strand): 5'-TCACACTTTCCATCATTCAAGCAGAAGTCAGGCTGTAGGTCACAGAGACTCTGACAGGGC[C>T]GTTCTTCCACACTCAGGTATCCAGGGAAGCATCTGCACTTTGCTTCTCCACTCCAGGGGT-3'
Protein context (NP_057331.2, residues 1038-1058): CFPGYLSVEE[Arg1048Gln]PCQSLCDLQP